The following is an entry in ClinVar:

NM_000038.6(APC):c.1744-574G>A

Gene: APC (APC regulator of WNT signaling pathway; plus strand). Cytogenetic location: 5q22.2.
Variant type: single nucleotide variant.
Coding change: c.1744-574G>A on transcript NM_000038.6 (MANE Select); 574 bases into the intron before coding-DNA position 1744, G replaced by A.
Molecular consequence: intron variant.
Genome position (GRCh38, 1-based): chr5:112,834,377, G>A. VCF-style: chr5-112834377-G-A. GRCh37 (hg19) VCF-style: chr5-112170074-G-A.
Other names: c.1744-574G>A (NM_001354895.2, NM_001127510.3); c.1774-574G>A (NM_001354897.2); c.1471-574G>A (NM_001354902.2); c.1690-574G>A (NM_001127511.3); c.1669-574G>A (NM_001354898.2); c.1366-574G>A (NM_001354904.2); c.895-574G>A (NM_001354906.2); c.1798-574G>A (NM_001354896.2); and 5 more.
Identifiers: ClinVar variation 83201 (VCV000083201.2), dbSNP rs74797473, ClinGen allele CA005926.

ClinVar aggregate classification (germline): other (0 of 4 stars; one submission).

Conditions:
Familial colorectal cancer. Identifiers: MedGen CN280943, MONDO:0023113. Disease mechanism: loss of function.

Submission:

Systems Biology Platform Zhejiang California International NanoSystems Institute
Classification: other for Familial colorectal cancer. Review status: no assertion criteria provided. Collection method: not provided. Allele origin: unknown.
ClinVar note: Converted during submission from cancer to other.